The following is an entry in ClinVar:

ClinVar aggregate classification (germline): Uncertain significance (1 of 4 stars; one submission).

Submission:

GeneDx
Classification: Uncertain significance. Last evaluated: 2023-06-02. Review status: criteria provided, single submitter. Criteria: GeneDx Variant Classification Process June 2021. Collection method: clinical testing. Allele origin: germline. Affected: yes.
Comment: Canonical splice site variant in a gene for which loss-of-function is not a known mechanism of disease; Not observed at significant frequency in large population cohorts (gnomAD); Has not been previously published as pathogenic or benign to our knowledge

NM_198578.4(LRRK2):c.6280+1G>A

Gene: LRRK2 (leucine rich repeat kinase 2; plus strand). Cytogenetic location: 12q12.
Variant type: single nucleotide variant.
Coding change: c.6280+1G>A on transcript NM_198578.4 (MANE Select); the canonical splice donor site of the intron after coding-DNA position 6280, G replaced by A.
Molecular consequence: splice donor variant.
Genome position (GRCh38, 1-based): chr12:40,346,924, G>A. VCF-style: chr12-40346924-G-A. GRCh37 (hg19) VCF-style: chr12-40740726-G-A.
Identifiers: ClinVar variation 3253534 (VCV003253534.1), dbSNP rs2499967545.